The following is an entry in ClinVar:

ClinVar aggregate classification (germline): Uncertain significance. Review status: criteria provided, multiple submitters, no conflicts (2 of 4 stars). 3 submissions from 3 submitters: Uncertain significance (3). Last evaluated 2025-09-04.

Conditions:
Hereditary nonpolyposis colorectal neoplasms. Identifiers: MedGen C0009405, MeSH D003123.
Hereditary cancer-predisposing syndrome. Also called: Neoplastic Syndromes, Hereditary; Hereditary Cancer Syndrome; Hereditary neoplastic syndrome; Tumor predisposition. Identifiers: Orphanet 140162, MedGen C0027672, MeSH D009386, MONDO:0015356.

gnomAD v4.1: 1 of 1,610,834 alleles (0.000062%); highest among the groups gnomAD compares: East Asian, 0.0022%; no homozygotes.

Submissions (3):

Color Diagnostics, LLC DBA Color Health
Classification: Uncertain significance for Hereditary cancer-predisposing syndrome. Last evaluated: 2025-09-04. Review status: criteria provided, single submitter. Criteria: ACMG Guidelines, 2015. Collection method: clinical testing. Allele origin: germline.
Comment: This missense variant replaces glycine with valine at codon 50 of the PMS2 protein. Computational prediction suggests that this variant may have deleterious impact on protein structure and function. To our knowledge, functional studies have not been reported for this variant. This variant has not been reported in individuals affected with PMS2-related disorders in the literature. This variant has not been identified in the general population by the Genome Aggregation Database (gnomAD). The available evidence is insufficient to determine the role of this variant in disease conclusively. Therefore, this variant is classified as a Variant of Uncertain Significance.

Ambry Genetics
Classification: Uncertain significance for Hereditary cancer-predisposing syndrome. Last evaluated: 2025-07-22. Review status: criteria provided, single submitter. Criteria: Ambry Variant Classification Scheme 2023. Collection method: clinical testing. Allele origin: germline.
Comment: The p.G50V variant (also known as c.149G>T), located in coding exon 2 of the PMS2 gene, results from a G to T substitution at nucleotide position 149. The glycine at codon 50 is replaced by valine, an amino acid with dissimilar properties. This amino acid position is highly conserved in available vertebrate species. In addition, this alteration is predicted to be deleterious by in silico analysis. Based on the available evidence, the clinical significance of this variant remains unclear.

Labcorp Genetics (formerly Invitae), Labcorp
Classification: Uncertain significance for Hereditary nonpolyposis colorectal neoplasms. Last evaluated: 2023-05-25. Review status: criteria provided, single submitter. Criteria: Invitae Variant Classification Sherloc (09022015). Collection method: clinical testing. Allele origin: germline.
Comment: This variant is not present in population databases (gnomAD no frequency). This sequence change replaces glycine, which is neutral and non-polar, with valine, which is neutral and non-polar, at codon 50 of the PMS2 protein (p.Gly50Val). This variant has not been reported in the literature in individuals affected with PMS2-related conditions. Advanced modeling of protein sequence and biophysical properties (such as structural, functional, and spatial information, amino acid conservation, physicochemical variation, residue mobility, and thermodynamic stability) performed at Invitae indicates that this missense variant is expected to disrupt PMS2 protein function. In summary, the available evidence is currently insufficient to determine the role of this variant in disease. Therefore, it has been classified as a Variant of Uncertain Significance.

NM_000535.7(PMS2):c.149G>T (p.Gly50Val)

Gene: PMS2 (PMS1 homolog 2, mismatch repair system component; minus strand). Cytogenetic location: 7p22.1.
Variant type: single nucleotide variant.
Coding change: c.149G>T on transcript NM_000535.7 (MANE Select); coding-DNA position 149, G replaced by T.
Protein change: p.Gly50Val; replaces glycine 50 with valine.
Molecular consequence: missense variant. On other transcripts: 5 prime UTR variant (38), non-coding transcript variant (1), intron variant (7).
Genome position (GRCh38, 1-based): chr7:6,005,906, C>A on the plus strand (G>T on the coding strand, the complement: PMS2 is on the minus strand). VCF-style: chr7-6005906-C-A. GRCh37 (hg19) VCF-style: chr7-6045537-C-A.
Other names: c.-257G>T (NM_001018040.1, NM_001322003.2, NM_001322005.2 and 11 more transcripts); c.149G>T, p.Gly50Val (NM_001322006.2, NM_001322014.2, NM_001406868.1 and 10 more transcripts); c.-67G>T (NM_001322007.2, NM_001406876.1, NM_001406883.1 and 4 more transcripts); c.-736G>T (NM_001322011.2, NM_001322012.2); c.-336G>T (NM_001322015.2, NM_001406875.1, NM_001406877.1 and 2 more transcripts); c.335G>T, p.Gly112Val (NM_001406866.1); c.-283G>T (NM_001406880.1); c.-204G>T (NM_001406888.1, NM_001406889.1, NM_001406892.1 and 5 more transcripts); and 7 more; short protein forms G112V, G50V.
Identifiers: ClinVar variation 2870704 (VCV002870704.5), dbSNP rs539285592, ClinGen allele CA366744970.